The following is an entry in ClinVar:

NM_000165.5(GJA1):c.*243A>G

Gene: GJA1 (gap junction protein alpha 1; plus strand). Cytogenetic location: 6q22.31.
Variant type: single nucleotide variant.
Coding change: c.*243A>G on transcript NM_000165.5 (MANE Select); 243 bases downstream of the stop codon, A replaced by G.
Molecular consequence: 3 prime UTR variant.
Genome position (GRCh38, 1-based): chr6:121,448,239, A>G. VCF-style: chr6-121448239-A-G. GRCh37 (hg19) VCF-style: chr6-121769385-A-G.
Identifiers: ClinVar variation 355170 (VCV000355170.8), dbSNP rs139128953, ClinGen allele CA10621318.
Genomic context (GRCh38, chr6:121,448,239, plus strand): 5'-GGTGGAGAGGGAGGGGATAAGAGAGGTGCATGTTGGTATTTAAAGTAGTGGATTCAAAGA[A>G]CTTAGATTATAAATAAGAGTTCCATTAGGTGATACATAGATAAGGGCTTTTTCTCCCCGC-3'

ClinVar aggregate classification (germline): Conflicting classifications of pathogenicity. Review status: criteria provided, conflicting classifications (1 of 4 stars). 4 submissions from 2 submitters: Uncertain significance (1); Benign (2); Likely benign (1). Last evaluated 2018-07-31.

Conditions:
Hypoplastic left heart syndrome 1 (HLHS1). Identifiers: Orphanet 2248, MedGen C4551854, MONDO:0009433, OMIM 241550.
Syndactyly type 3 (SDTY3). Also called: RING AND LITTLE FINGER SYNDACTYLY; SYNDACTYLY OF FINGERS IV AND V. Identifiers: Orphanet 93404, MedGen C1861366, MONDO:0008514, OMIM 186100.
Oculodentodigital dysplasia (ODDD). Also called: ODD SYNDROME; Oculodentodigital syndrome. Identifiers: Orphanet 2710, MedGen C0812437, MONDO:0008111, OMIM 164200.

Allele frequency attached by ClinVar (database versions not stated): gnomAD exomes 0.00105; gnomAD 0.00844 and 0.00907; TOPMed 0.00936; 1000 Genomes Project 0.00938; 1000 Genomes Project 30x 0.01077.
gnomAD v4.1: 1,753 of 568,848 alleles (0.31%); highest among the groups gnomAD compares: African/African-American, 2.8%; 25 homozygotes.

Submissions (4):

GeneDx
Classification: Likely benign. Last evaluated: 2018-07-31. Review status: criteria provided, single submitter. Criteria: GeneDx Variant Classification Process June 2021. Collection method: clinical testing. Allele origin: germline. Affected: yes.

Illumina Laboratory Services, Illumina
Classification: Uncertain significance for Hypoplastic left heart syndrome 1. Last evaluated: 2018-01-12. Review status: criteria provided, single submitter. Criteria: ICSL Variant Classification Criteria 13 December 2019. Collection method: clinical testing. Allele origin: germline.

Illumina Laboratory Services, Illumina
Classification: Benign for Oculodentodigital dysplasia. Last evaluated: 2018-01-12. Review status: criteria provided, single submitter. Criteria: ICSL Variant Classification Criteria 13 December 2019. Collection method: clinical testing. Allele origin: germline.
Comment: This variant was observed in the ICSL laboratory as part of a predisposition screen in an ostensibly healthy population. It had not been previously curated by ICSL or reported in the Human Gene Mutation Database (HGMD: prior to June 1st, 2018), and was therefore a candidate for classification through an automated scoring system. Utilizing variant allele frequency, disease prevalence and penetrance estimates, and inheritance mode, an automated score was calculated to assess if this variant is too frequent to cause the disease. Based on the score and internal cut-off values, a variant classified as benign is not then subjected to further curation. The score for this variant resulted in a classification of benign for this disease.

Illumina Laboratory Services, Illumina
Classification: Benign for Syndactyly type 3. Last evaluated: 2018-01-12. Review status: criteria provided, single submitter. Criteria: ICSL Variant Classification Criteria 13 December 2019. Collection method: clinical testing. Allele origin: germline.
Comment: the same text as in the submission from Illumina Laboratory Services, Illumina above.